The following is an entry in ClinVar:

ClinVar aggregate classification (germline): Uncertain significance (1 of 4 stars; one submission).

Conditions:
Inborn genetic diseases. Identifiers: MedGen C0950123, MeSH D030342.

Submission:

Ambry Genetics
Classification: Uncertain significance for Inborn genetic diseases. Last evaluated: 2025-04-20. Review status: criteria provided, single submitter. Criteria: Ambry Variant Classification Scheme 2023. Collection method: clinical testing. Allele origin: germline.
Comment: The p.P1018T variant (also known as c.3052C>A), located in coding exon 30 of the RTEL1 gene, results from a C to A substitution at nucleotide position 3052. The proline at codon 1018 is replaced by threonine, an amino acid with highly similar properties. This amino acid position is conserved. In addition, this alteration is predicted to be tolerated by in silico analysis. Based on the available evidence, the clinical significance of this variant remains unclear.

NM_001283009.2(RTEL1):c.3052C>A (p.Pro1018Thr)

Genes: RTEL1 (regulator of telomere elongation helicase 1; plus strand), RTEL1-TNFRSF6B (RTEL1-TNFRSF6B readthrough (NMD candidate); plus strand). Cytogenetic location: 20q13.33.
Variant type: single nucleotide variant.
Coding change: c.3052C>A on transcript NM_001283009.2 (MANE Select); coding-DNA position 3052, C replaced by A.
Protein change: p.Pro1018Thr; replaces proline 1018 with threonine.
Molecular consequence: missense variant. On other transcripts: non-coding transcript variant (1).
Genome position (GRCh38, 1-based): chr20:63,694,431, C>A. VCF-style: chr20-63694431-C-A. GRCh37 (hg19) VCF-style: chr20-62325784-C-A.
Other names: c.2383C>A, p.Pro795Thr (NM_001283010.1); c.3052C>A, p.Pro1018Thr (NM_016434.4); c.3124C>A, p.Pro1042Thr (NM_032957.5); short protein forms P1018T, P795T, P1042T.
Identifiers: ClinVar variation 3948346 (VCV003948346.1).